The following is an entry in ClinVar:

NM_001352514.2(HLCS):c.1003G>A (p.Asp335Asn)

Gene: HLCS (holocarboxylase synthetase; minus strand). Cytogenetic location: 21q22.13.
Variant type: single nucleotide variant.
Coding change: c.1003G>A on transcript NM_001352514.2 (MANE Select); coding-DNA position 1003, G replaced by A.
Protein change: p.Asp335Asn; replaces aspartic acid 335 with asparagine.
Molecular consequence: missense variant. On other transcripts: non-coding transcript variant (2).
Genome position (GRCh38, 1-based): chr21:36,936,883, C>T on the plus strand (G>A on the coding strand, the complement: HLCS is on the minus strand). VCF-style: chr21-36936883-C-T. GRCh37 (hg19) VCF-style: chr21-38309183-C-T.
Other names: c.562G>A, p.Asp188Asn (NM_000411.8, NM_001242784.3, NM_001242785.2 and 4 more transcripts); short protein forms D335N, D188N.
Identifiers: ClinVar variation 2201826 (VCV002201826.1), dbSNP rs770645632, ClinGen allele CA10020655.
Genomic context (GRCh38, chr21:36,936,883, plus strand): 5'-CTCTGAGAGCACTGTCCTCCAGCAGGTGGTAGAGAATATAACTGTCAATGTCCACACAGT[C>T]GGCCAGCACAGACCGGACCTCGTGGAACCGGCCGAGGGCTTCCTGGGAGTCGGAGCCCAC-3'
Protein context (NP_001339443.1, residues 325-345): RFHEVRSVLA[Asp335Asn]CVDIDSYILY

ClinVar aggregate classification (germline): Uncertain significance (1 of 4 stars; one submission).

Conditions:
Holocarboxylase synthetase deficiency. Also called: MULTIPLE CARBOXYLASE DEFICIENCY, EARLY ONSET. Identifiers: Orphanet 79242, MedGen C0268581, MONDO:0009666, OMIM 253270.

Allele frequency attached by ClinVar (database versions not stated): ExAC 0.00001; gnomAD 0.00002; TOPMed 0.00003.
gnomAD v4.1: 24 of 1,614,034 alleles (0.0015%); highest among the groups gnomAD compares: African/African-American, 0.0027%; no homozygotes.

Submission:

Labcorp Genetics (formerly Invitae), Labcorp
Classification: Uncertain significance for Holocarboxylase synthetase deficiency. Last evaluated: 2022-05-13. Review status: criteria provided, single submitter. Criteria: Invitae Variant Classification Sherloc (09022015). Collection method: clinical testing. Allele origin: germline.
Comment: This sequence change replaces aspartic acid, which is acidic and polar, with asparagine, which is neutral and polar, at codon 188 of the HLCS protein (p.Asp188Asn). This variant is present in population databases (rs770645632, gnomAD 0.004%). This variant has not been reported in the literature in individuals affected with HLCS-related conditions. Advanced modeling of protein sequence and biophysical properties (such as structural, functional, and spatial information, amino acid conservation, physicochemical variation, residue mobility, and thermodynamic stability) performed at Invitae indicates that this missense variant is not expected to disrupt HLCS protein function. In summary, the available evidence is currently insufficient to determine the role of this variant in disease. Therefore, it has been classified as a Variant of Uncertain Significance.